The following is an entry in ClinVar:

ClinVar aggregate classification (germline): Pathogenic (0 of 4 stars; one submission).

Conditions:
Fanconi anemia complementation group A (FANCA). Also called: Fanconi anemia, group A; FANCA-Related Fanconi Anemia. Identifiers: Orphanet 84, MedGen C3469521, MONDO:0009215, OMIM 227650.

Submission:

Leiden Open Variation Database
Classification: Pathogenic for Fanconi anemia complementation group A. Last evaluated: 2020-02-28. Review status: no assertion criteria provided. Collection method: curation. Allele origin: germline. Affected: yes.
Comment: Curator: Arleen D. Auerbach. Submitter to LOVD: Arleen D. Auerbach.

Literature cited by the submitters: PubMed 21273304.

NC_000016.10:g.(89775816_89778800)_(89816657_?)del

Gene: FANCA (FA complementation group A; minus strand). Cytogenetic location: 16q24.3.
Variant type: Deletion.
Identifiers: ClinVar variation 974085 (VCV000974085.1).